The following is an entry in ClinVar:

ClinVar aggregate classification (germline): Likely pathogenic (1 of 4 stars; one submission).

Submission:

GeneDx
Classification: Likely pathogenic. Last evaluated: 2025-02-10. Review status: criteria provided, single submitter. Criteria: GeneDx Variant Classification Process June 2021. Collection method: clinical testing. Allele origin: germline. Affected: yes.
Comment: Identified as a paternally inherited variant in a patient with learning disability and schizoaffective disorder and their sibling with autism spectrum disorder and global developmental delay; their father is affected with schizoaffective disorder (PMID: 39169470); In-frame deletion of 8 amino acidsin a non-repeat region predicted to critically alter the protein; In silico analysis supports a deleterious effect on protein structure/function; Not observed at significant frequency in large population cohorts (gnomAD); This variant is associated with the following publications: (PMID: 39169470)

NM_001353345.2(SETD1B):c.2755_2778del (p.Glu919_Asp926del)

Gene: SETD1B (SET domain containing 1B, histone lysine methyltransferase; plus strand). Cytogenetic location: 12q24.31.
Variant type: Deletion.
Coding change: c.2755_2778del on transcript NM_001353345.2 (MANE Select); coding-DNA positions 2755 to 2778, 24 bases deleted (GAGGACAGGCCGAAGCCCAAGGAC).
Protein change: p.Glu919_Asp926del.
Molecular consequence: inframe deletion.
Genome position (GRCh38, 1-based): chr12:121,817,072-121,817,095, GAGGACAGGCCGAAGCCCAAGGAC deleted; deleting any 24 consecutive bases within chr12:121,817,065-121,817,095 gives the same sequence; the c. name uses the placement nearest the transcript's 3' end. VCF-style (leftmost placement, unchanged base first): chr12-121817064-ACAAGGACGAGGACAGGCCGAAGCC-A. GRCh37 (hg19) VCF-style: chr12-122254970-ACAAGGACGAGGACAGGCCGAAGCC-A.
Identifiers: ClinVar variation 4075533 (VCV004075533.1).
Genomic context (GRCh38, chr12:121,817,064, plus strand): 5'-GTGACGGTCCCCTCCTGTCTCCACCCCAGGCCTCGCTGACCCCGGTGAAGTCGGGCGAGC[ACAAGGACGAGGACAGGCCGAAGCC>A]CAAGGACCGCATCGCCTCGTGCCTGCTGGAGTCATGGGGCAAGGGCGAGGGCCTGGGCTA-3'